The following is an entry in ClinVar:

NM_174936.4(PCSK9):c.1660C>T (p.Gln554Ter)

Gene: PCSK9 (proprotein convertase subtilisin/kexin type 9; plus strand). Cytogenetic location: 1p32.3.
Variant type: single nucleotide variant.
Coding change: c.1660C>T on transcript NM_174936.4 (MANE Select); coding-DNA position 1660, C replaced by T.
Protein change: p.Gln554Ter; replaces glutamine 554 with a stop codon.
Molecular consequence: nonsense. On other transcripts: non-coding transcript variant (7), intron variant (1).
Genome position (GRCh38, 1-based): chr1:55,059,642, C>T. VCF-style: chr1-55059642-C-T. GRCh37 (hg19) VCF-style: chr1-55525315-C-T.
Other names: c.1783C>T, p.Gln595Ter (NM_001407240.1); c.1702C>T, p.Gln568Ter (NM_001407241.1); c.1663C>T, p.Gln555Ter (NM_001407242.1); c.1603C>T, p.Gln535Ter (NM_001407243.1); c.1486C>T, p.Gln496Ter (NM_001407244.1); c.1468C>T, p.Gln490Ter (NM_001407245.1); c.1285C>T, p.Gln429Ter (NM_001407246.1); c.1181-1733C>T (NM_001407247.1); short protein forms Q429*, Q490*, Q496*, Q535*, Q554*, Q555*, Q568*, Q595*.
Identifiers: ClinVar variation 3075564 (VCV003075564.1), dbSNP rs149311926, ClinGen allele CA340480081.

ClinVar aggregate classification (germline): Likely benign (1 of 4 stars; one submission).

Conditions:
Hypercholesterolemia, autosomal dominant, 3 (FHCL3). Also called: Familial Hypercholesterolemia, Autosomal Dominant, 3; PCSK9-Related Familial Hypercholesterolemia, Autosomal Dominant; Familial hypercholesterolemia 3. Identifiers: MedGen C1863551, MONDO:0011369, OMIM 603776.

Submission:

All of Us Research Program, National Institutes of Health
Classification: Likely benign for Hypercholesterolemia, autosomal dominant, 3. Last evaluated: 2023-11-20. Review status: criteria provided, single submitter. Criteria: ACMG Guidelines, 2015. Collection method: clinical testing. Allele origin: germline. Inheritance: Autosomal dominant inheritance. Observed: 2 variant alleles, 2 heterozygotes.
Comment: This study involves interpretation of variants in research participants for the purpose of population health screening. Participant phenotype was not available at the time of variant classification. Additional details can be found in publication PMID: 35346344, PMCID: PMC8962531